The following is an entry in ClinVar:

NM_004588.5(SCN2B):c.626A>C (p.Asn209Thr)

Gene: SCN2B (sodium voltage-gated channel beta subunit 2; minus strand). Cytogenetic location: 11q23.3.
Variant type: single nucleotide variant.
Coding change: c.626A>C on transcript NM_004588.5 (MANE Select); coding-DNA position 626, A replaced by C.
Protein change: p.Asn209Thr; replaces asparagine 209 with threonine.
Molecular consequence: missense variant.
Genome position (GRCh38, 1-based): chr11:118,166,909, T>G on the plus strand (A>C on the coding strand, the complement: SCN2B is on the minus strand). VCF-style: chr11-118166909-T-G. GRCh37 (hg19) VCF-style: chr11-118037624-T-G.
Other names: c.626A>C (NM_004588.4); short protein forms N209T.
Identifiers: ClinVar variation 4885654 (VCV004885654.3).
Genomic context (GRCh38, chr11:118,166,909, plus strand): 5'-GGAGACGGGACACGGGAGGCTGCAGGGCCGGCCACCCACTACTTGGCGCCATCATCCGGG[T>G]TGCCTTCACCGTCCGTCTTGCCCTCCTCCTCGGTCTTCAGGTCATCTGTGCTCAGCTTCT-3'
Protein context (NP_004579.1, residues 199-215): EEEGKTDGEG[Asn209Thr]PDDGAK

ClinVar aggregate classification (germline): Conflicting classifications of pathogenicity. Review status: criteria provided, conflicting classifications (1 of 4 stars). 2 submissions from 2 submitters: Uncertain significance (1); Likely benign (1). Last evaluated 2026-05-27.

Conditions:
SCN2B-related disorder. Also called: SCN2B-related condition.

gnomAD v4.1: 223 of 1,614,020 alleles (0.014%); highest among the groups gnomAD compares: Middle Eastern, 0.016%; no homozygotes.

Submissions (2):

PreventionGenetics, part of Exact Sciences
Classification: Likely benign for SCN2B-related condition. Last evaluated: 2026-05-27. Review status: criteria provided, single submitter. Criteria: ACMG Guidelines, 2015. Collection method: clinical testing. Allele origin: germline.
Comment: This variant is classified as likely benign based on ACMG/AMP sequence variant interpretation guidelines (Richards et al. 2015 PMID: 25741868, with internal and published modifications).

Dasa
Classification: Uncertain significance. Last evaluated: 2025-10-03. Review status: criteria provided, single submitter. Criteria: DASA Assertion Criteria. Collection method: clinical testing. Allele origin: germline.
Comment: NM_004588.5(SCN2B):c.626A>C (p.Asn209Thr) is a missense variant that results in the substitution of asparagine with threonine. This variant is rare in population databases. The currently available literature and clinical evidence are not sufficient to establish a definitive association between this variant and the reported condition. Therefore, this variant is classified as a variant of uncertain significance.